The following is an entry in ClinVar:

ClinVar aggregate classification (germline): Uncertain significance. Review status: criteria provided, multiple submitters, no conflicts (2 of 4 stars). 2 submissions from 2 submitters: Uncertain significance (2). Last evaluated 2025-03-17.

Conditions:
Severe early-onset pulmonary alveolar proteinosis due to MARS deficiency. Also called: PULMONARY ALVEOLAR PROTEINOSIS, REUNION ISLAND; Interstitial lung and liver disease. Identifiers: Orphanet 440427, MedGen C4225400, MONDO:0014206, OMIM 615486.
Charcot-Marie-Tooth disease axonal type 2U. Also called: CHARCOT-MARIE-TOOTH NEUROPATHY, TYPE 2U; CHARCOT-MARIE-TOOTH DISEASE, AXONAL, AUTOSOMAL DOMINANT, TYPE 2U. Identifiers: Orphanet 397735, MedGen C4084821, MONDO:0014566, OMIM 616280.

Allele frequency attached by ClinVar (database versions not stated): gnomAD exomes below 0.00001.
gnomAD v4.1: 2 of 1,614,050 alleles (0.00012%); highest among the groups gnomAD compares: Non-Finnish European, 0.000085%; no homozygotes.

Submissions (2):

Women's Health and Genetics/Laboratory Corporation of America, LabCorp
Classification: Uncertain significance. Last evaluated: 2025-03-17. Review status: criteria provided, single submitter. Criteria: LabCorp Variant Classification Summary - May 2015. Collection method: clinical testing. Allele origin: germline.
Comment: Variant summary: MARS1 c.2323C>G (p.Pro775Ala) results in a non-conservative amino acid change located in the Methionyl-tRNA synthetase, anticodon-binding domain (IPR041872) of the encoded protein sequence. Four of five in-silico tools predict a benign effect of the variant on protein function. The frequency of this variant in the general population could not be determined as the technology used for large population databases (ExAC, gnomAD, ESP, 1000G) cannot detect variants of this type. The available data on variant occurrences in the general population are insufficient to allow any conclusion about variant significance. To our knowledge, no occurrence of c.2323C>G in individuals affected with Severe early-onset pulmonary alveolar proteinosis due to MARS deficiency and no experimental evidence demonstrating its impact on protein function have been reported. ClinVar contains an entry for this variant (Variation ID: 2946133). Based on the evidence outlined above, the variant was classified as uncertain significance.

Labcorp Genetics (formerly Invitae), Labcorp
Classification: Uncertain significance for Charcot-Marie-Tooth disease axonal type 2U; Severe early-onset pulmonary alveolar proteinosis due to MARS deficiency. Last evaluated: 2024-03-28. Review status: criteria provided, single submitter. Criteria: Invitae Variant Classification Sherloc (09022015). Collection method: clinical testing. Allele origin: germline.
Comment: This sequence change replaces proline, which is neutral and non-polar, with alanine, which is neutral and non-polar, at codon 775 of the MARS protein (p.Pro775Ala). This variant is not present in population databases (gnomAD no frequency). This variant has not been reported in the literature in individuals affected with MARS-related conditions. An algorithm developed to predict the effect of missense changes on protein structure and function (PolyPhen-2) suggests that this variant is likely to be tolerated. In summary, the available evidence is currently insufficient to determine the role of this variant in disease. Therefore, it has been classified as a Variant of Uncertain Significance.

NM_004990.4(MARS1):c.2323C>G (p.Pro775Ala)

Gene: MARS1 (methionyl-tRNA synthetase 1; plus strand). Cytogenetic location: 12q13.3.
Variant type: single nucleotide variant.
Coding change: c.2323C>G on transcript NM_004990.4 (MANE Select); coding-DNA position 2323, C replaced by G.
Protein change: p.Pro775Ala; replaces proline 775 with alanine.
Molecular consequence: missense variant.
Genome position (GRCh38, 1-based): chr12:57,515,268, C>G. VCF-style: chr12-57515268-C-G. GRCh37 (hg19) VCF-style: chr12-57909051-C-G.
Other names: short protein forms P775A.
Identifiers: ClinVar variation 2946133 (VCV002946133.4), dbSNP rs113773319, ClinGen allele CA237772697.
Genomic context (GRCh38, chr12:57,515,268, plus strand): 5'-ATGCTTCAGCCTTACATGCCCACGGTTAGTGCCACAATCCAGGCCCAGCTGCAGCTCCCA[C>G]CTCCAGCCTGCAGTATCCTGCTGACAAACTTCCTGTGTACCTTACCAGCAGGACACCAGA-3'
Protein context (NP_004981.2, residues 765-785): ATIQAQLQLP[Pro775Ala]PACSILLTNF